The following is an entry in ClinVar:

NM_001711.6(BGN):c.351+1G>A

Gene: BGN (biglycan; plus strand). Cytogenetic location: Xq28.
Variant type: single nucleotide variant.
Coding change: c.351+1G>A on transcript NM_001711.6 (MANE Select); the canonical splice donor site of the intron after coding-DNA position 351, G replaced by A.
Molecular consequence: splice donor variant.
Genome position (GRCh38, 1-based): chrX:153,505,351, G>A. VCF-style: chrX-153505351-G-A. GRCh37 (hg19) VCF-style: chrX-152770809-G-A.
Identifiers: ClinVar variation 2663755 (VCV002663755.7), dbSNP rs2089792021, ClinGen allele CA415069064.
Genomic context (GRCh38, chrX:153,505,351, plus strand): 5'-CAGAACAACGACATCTCCGAGCTCCGCAAGGATGACTTCAAGGGTCTCCAGCACCTCTAC[G>A]TAAGGAGCTGGGAGGAACCAGCAGGCCTACAGCAGAGGGCAGGGGTCCGGGTGGGTGCAT-3'

ClinVar aggregate classification (germline): Conflicting classifications of pathogenicity. Review status: criteria provided, conflicting classifications (1 of 4 stars). 3 submissions from 3 submitters: Likely pathogenic (2); Uncertain significance (1). Last evaluated 2025-12-13.

Conditions:
Meester-Loeys syndrome. Also called: X-linked severe syndromic thoracic aortic aneurysm and dissection. Identifiers: Orphanet 622925, MedGen C4310811, MONDO:0010515, OMIM 300989.

Allele frequency attached by ClinVar (database versions not stated): gnomAD exomes below 0.00001; TOPMed below 0.00001.
gnomAD v4.1: 1 of 1,200,123 alleles (0.000083%); highest among the groups gnomAD compares: Non-Finnish European, 0.00011%; no homozygotes.

Submissions (3):

Mayo Clinic Laboratories, Mayo Clinic
Classification: Likely pathogenic. Last evaluated: 2025-12-13. Review status: criteria provided, single submitter. Criteria: ACMG Guidelines, 2015. Collection method: clinical testing. Allele origin: germline. Observed: 1 variant allele.
Comment: PP1_moderate, PP4, PM2_supporting, PM4

Centre of Medical Genetics, University of Antwerp
Classification: Uncertain significance for Meester-Loeys syndrome. Last evaluated: 2023-10-20. Review status: criteria provided, single submitter. Criteria: ACMG Guidelines, 2015. Collection method: research, in vitro. Allele origin: maternal, not applicable. Affected: yes. Functional consequence: inframe insertion, splice donor variant NMD escaping.

Labcorp Genetics (formerly Invitae), Labcorp
Classification: Likely pathogenic. Last evaluated: 2023-04-26. Review status: criteria provided, single submitter. Criteria: Invitae Variant Classification Sherloc (09022015). Collection method: clinical testing. Allele origin: germline.
Comment: In summary, the currently available evidence indicates that the variant is pathogenic, but additional data are needed to prove that conclusively. Therefore, this variant has been classified as Likely Pathogenic. Algorithms developed to predict the effect of sequence changes on RNA splicing suggest that this variant may disrupt the consensus splice site. This variant has not been reported in the literature in individuals affected with BGN-related conditions. This variant is not present in population databases (gnomAD no frequency). This sequence change affects a donor splice site in intron 3 of the BGN gene. It is expected to disrupt RNA splicing. Variants that disrupt the donor or acceptor splice site typically lead to a loss of protein function (PMID: 16199547), and loss-of-function variants in BGN are known to be pathogenic (PMID: 17502576, 27632686).

Literature cited by the submitters: PubMed 38531898 (cited by Mayo Clinic Laboratories, Mayo Clinic); PubMed 16199547 (cited by Labcorp Genetics (formerly Invitae), Labcorp); PubMed 17502576 (cited by Labcorp Genetics (formerly Invitae), Labcorp); PubMed 27632686 (cited by Labcorp Genetics (formerly Invitae), Labcorp).